The following is an entry in ClinVar:

ClinVar aggregate classification (germline): Uncertain significance. Review status: criteria provided, multiple submitters, no conflicts (2 of 4 stars). 5 submissions from 5 submitters: Uncertain significance (5). Last evaluated 2025-03-28.

Conditions:
Inborn genetic diseases. Identifiers: MedGen C0950123, MeSH D030342.
Combined oxidative phosphorylation deficiency 39. Identifiers: Orphanet 565624, MedGen C5193075, MONDO:0032726, OMIM 618397.

Allele frequency attached by ClinVar (database versions not stated): gnomAD exomes 0.00012; ExAC 0.00019; ESP Exome Variant Server 0.00023.
gnomAD v4.1: 169 of 1,612,682 alleles (0.01%); highest among the groups gnomAD compares: Non-Finnish European, 0.014%; no homozygotes.

Submissions (5):

Ambry Genetics
Classification: Uncertain significance for Inborn genetic diseases. Last evaluated: 2025-03-28. Review status: criteria provided, single submitter. Criteria: Ambry Variant Classification Scheme 2023. Collection method: clinical testing. Allele origin: germline.

Blueprint Genetics
Classification: Uncertain significance. Last evaluated: 2024-08-30. Review status: criteria provided, single submitter. Criteria: ACMG Guidelines, 2015. Collection method: clinical testing. Allele origin: germline.

Labcorp Genetics (formerly Invitae), Labcorp
Classification: Uncertain significance. Last evaluated: 2023-10-17. Review status: criteria provided, single submitter. Criteria: Invitae Variant Classification Sherloc (09022015). Collection method: clinical testing. Allele origin: germline.
Comment: This sequence change replaces arginine, which is basic and polar, with glutamine, which is neutral and polar, at codon 744 of the GFM2 protein (p.Arg744Gln). This variant is present in population databases (rs151093565, gnomAD 0.03%). This variant has not been reported in the literature in individuals affected with GFM2-related conditions. ClinVar contains an entry for this variant (Variation ID: 1698268). Advanced modeling of protein sequence and biophysical properties (such as structural, functional, and spatial information, amino acid conservation, physicochemical variation, residue mobility, and thermodynamic stability) performed at Invitae indicates that this missense variant is expected to disrupt GFM2 protein function. Algorithms developed to predict the effect of sequence changes on RNA splicing suggest that this variant may disrupt the consensus splice site. In summary, the available evidence is currently insufficient to determine the role of this variant in disease. Therefore, it has been classified as a Variant of Uncertain Significance.

Department of Pathology and Laboratory Medicine, Sinai Health System
Classification: Uncertain significance for Combined oxidative phosphorylation deficiency 39. Last evaluated: 2022-05-06. Review status: criteria provided, single submitter. Criteria: ACMG Guidelines, 2015. Collection method: research. Allele origin: germline.

GeneDx
Classification: Uncertain significance. Last evaluated: 2022-01-19. Review status: criteria provided, single submitter. Criteria: GeneDx Variant Classification Process June 2021. Collection method: clinical testing. Allele origin: germline. Affected: yes.
Comment: In silico analysis supports that this missense variant has a deleterious effect on protein structure/function; Has not been previously published as pathogenic or benign to our knowledge; In-silico analysis is inconclusive as to whether the variant alters gene splicing. In the absence of RNA/functional studies, the actual effect of this sequence change is unknown.

NM_032380.5(GFM2):c.2231G>A (p.Arg744Gln)

Gene: GFM2 (GTP dependent ribosome recycling factor mitochondrial 2; minus strand). Cytogenetic location: 5q13.3.
Variant type: single nucleotide variant.
Coding change: c.2231G>A on transcript NM_032380.5 (MANE Select); coding-DNA position 2231, G replaced by A.
Protein change: p.Arg744Gln; replaces arginine 744 with glutamine.
Molecular consequence: missense variant. On other transcripts: non-coding transcript variant (1).
Genome position (GRCh38, 1-based): chr5:74,721,764, C>T on the plus strand (G>A on the coding strand, the complement: GFM2 is on the minus strand). VCF-style: chr5-74721764-C-T. GRCh37 (hg19) VCF-style: chr5-74017589-C-T.
Other names: c.2327G>A, p.Arg776Gln (NM_001281302.2); c.2090G>A, p.Arg697Gln (NM_170691.3); short protein forms R697Q, R744Q, R776Q.
Identifiers: ClinVar variation 1698268 (VCV001698268.11), dbSNP rs151093565, ClinGen allele CA3306312.